The following is an entry in ClinVar:

NM_001379081.2(FREM1):c.4247C>T (p.Thr1416Met)

Gene: FREM1 (FRAS1 related extracellular matrix 1; minus strand). Cytogenetic location: 9p22.3.
Variant type: single nucleotide variant.
Coding change: c.4247C>T on transcript NM_001379081.2 (MANE Select); coding-DNA position 4247, C replaced by T.
Protein change: p.Thr1416Met; replaces threonine 1416 with methionine.
Molecular consequence: missense variant. On other transcripts: non-coding transcript variant (1).
Genome position (GRCh38, 1-based): chr9:14,784,565, G>A on the plus strand (C>T on the coding strand, the complement: FREM1 is on the minus strand). VCF-style: chr9-14784565-G-A. GRCh37 (hg19) VCF-style: chr9-14784563-G-A.
Other names: c.4247C>T, p.Thr1416Met (NM_144966.7); short protein forms T1416M.
Identifiers: ClinVar variation 1949825 (VCV001949825.5), dbSNP rs759271289, ClinGen allele CA4990242.

ClinVar aggregate classification (germline): Uncertain significance (1 of 4 stars; one submission).

Allele frequency attached by ClinVar (database versions not stated): ExAC 0.00001; TOPMed 0.00001; gnomAD 0.00002; gnomAD exomes 0.00004; 1000 Genomes Project 30x 0.00031.
gnomAD v4.1: 61 of 1,612,272 alleles (0.0038%); highest among the groups gnomAD compares: East Asian, 0.0067%; no homozygotes.

Submission:

Labcorp Genetics (formerly Invitae), Labcorp
Classification: Uncertain significance. Last evaluated: 2022-07-12. Review status: criteria provided, single submitter. Criteria: Invitae Variant Classification Sherloc (09022015). Collection method: clinical testing. Allele origin: germline.
Comment: This variant has not been reported in the literature in individuals affected with FREM1-related conditions. This variant is present in population databases (rs759271289, gnomAD 0.006%). This sequence change replaces threonine, which is neutral and polar, with methionine, which is neutral and non-polar, at codon 1416 of the FREM1 protein (p.Thr1416Met). In summary, the available evidence is currently insufficient to determine the role of this variant in disease. Therefore, it has been classified as a Variant of Uncertain Significance. Algorithms developed to predict the effect of missense changes on protein structure and function are either unavailable or do not agree on the potential impact of this missense change (SIFT: "Deleterious"; PolyPhen-2: "Benign"; Align-GVGD: "Class C0").